The following is an entry in ClinVar:

NM_001356.5(DDX3X):c.1693C>T (p.Gln565Ter)

Gene: DDX3X (DEAD-box helicase 3 X-linked; plus strand). Cytogenetic location: Xp11.4.
Variant type: single nucleotide variant.
Coding change: c.1693C>T on transcript NM_001356.5 (MANE Select); coding-DNA position 1693, C replaced by T.
Protein change: p.Gln565Ter; replaces glutamine 565 with a stop codon.
Molecular consequence: nonsense. On other transcripts: non-coding transcript variant (1).
Genome position (GRCh38, 1-based): chrX:41,346,936, C>T. VCF-style: chrX-41346936-C-T. GRCh37 (hg19) VCF-style: chrX-41206189-C-T.
Other names: c.1693C>T, p.Gln565Ter (NM_001193416.3); c.1645C>T, p.Gln549Ter (NM_001193417.3); c.1135C>T, p.Gln379Ter (NM_001363819.1); short protein forms Q379*, Q549*, Q565*.
Identifiers: ClinVar variation 1325823 (VCV001325823.7), dbSNP rs2147360033, ClinGen allele CA412777719.

ClinVar aggregate classification (germline): Pathogenic. Review status: criteria provided, multiple submitters, no conflicts (2 of 4 stars). 2 submissions from 2 submitters: Pathogenic (2). Last evaluated 2022-05-25.

Conditions:
Intellectual disability, X-linked 102 (MRXSSB). Also called: Intellectual developmental disorder, X-linked syndromic, Snijders Blok type. Identifiers: Orphanet 457260, MedGen C5393299, MONDO:0010497, OMIM 300958.

Submissions (2):

Labcorp Genetics (formerly Invitae), Labcorp
Classification: Pathogenic. Last evaluated: 2022-05-25. Review status: criteria provided, single submitter. Criteria: Invitae Variant Classification Sherloc (09022015). Collection method: clinical testing. Allele origin: germline.
Comment: For these reasons, this variant has been classified as Pathogenic. ClinVar contains an entry for this variant (Variation ID: 1325823). This premature translational stop signal has been observed in individual(s) with clinical features of DDX3X-related conditions (PMID: 26235985). This variant is not present in population databases (gnomAD no frequency). This sequence change creates a premature translational stop signal (p.Gln565*) in the DDX3X gene. It is expected to result in an absent or disrupted protein product. Loss-of-function variants in DDX3X are known to be pathogenic (PMID: 26235985).

Institute of Human Genetics, University of Leipzig Medical Center
Classification: Pathogenic for Intellectual disability, X-linked 102. Last evaluated: 2022-03-10. Review status: criteria provided, single submitter. Criteria: ACMG Guidelines, 2015. Collection method: clinical testing. Allele origin: de novo. Affected: yes.
Comment: _x000D_This variant was identified as de novo (maternity and paternity confirmed) Criteria applied: PVS1, PS2_MOD, PS4_SUP, PM2_SUP

Literature cited by the submitters: PubMed 26235985 (cited by Labcorp Genetics (formerly Invitae), Labcorp).